The following is an entry in ClinVar:

ClinVar aggregate classification (germline): Conflicting classifications of pathogenicity. Review status: criteria provided, conflicting classifications (1 of 4 stars). 2 submissions from 2 submitters: Uncertain significance (1); Benign (1). Last evaluated 2025-07-03.

Conditions:
Primary ciliary dyskinesia. Also called: Ciliary dyskinesia. Identifiers: Orphanet 244, MedGen C0008780, MONDO:0016575, HP:0012265.

Allele frequency attached by ClinVar (database versions not stated): gnomAD exomes below 0.00001; gnomAD 0.00002; TOPMed 0.00003.
gnomAD v4.1: 5 of 1,613,624 alleles (0.00031%); highest among the groups gnomAD compares: African/African-American, 0.004%; no homozygotes.

Submissions (2):

Ambry Genetics
Classification: Uncertain significance for Primary ciliary dyskinesia. Last evaluated: 2025-07-03. Review status: criteria provided, single submitter. Criteria: Ambry Variant Classification Scheme 2023. Collection method: clinical testing. Allele origin: germline.
Comment: The p.E3690A variant (also known as c.11069A>C), located in coding exon 68 of the DNAH11 gene, results from an A to C substitution at nucleotide position 11069. The glutamic acid at codon 3690 is replaced by alanine, an amino acid with dissimilar properties. This amino acid position is conserved. In addition, this alteration is predicted to be tolerated by in silico analysis. Based on the available evidence, the clinical significance of this variant remains unclear.

Labcorp Genetics (formerly Invitae), Labcorp
Classification: Benign for Primary ciliary dyskinesia. Last evaluated: 2024-01-04. Review status: criteria provided, single submitter. Criteria: Invitae Variant Classification Sherloc (09022015). Collection method: clinical testing. Allele origin: germline.

NM_001277115.2(DNAH11):c.11069A>C (p.Glu3690Ala)

Gene: DNAH11 (dynein axonemal heavy chain 11; plus strand). Cytogenetic location: 7p15.3.
Variant type: single nucleotide variant.
Coding change: c.11069A>C on transcript NM_001277115.2 (MANE Select); coding-DNA position 11069, A replaced by C.
Protein change: p.Glu3690Ala; replaces glutamic acid 3690 with alanine.
Molecular consequence: missense variant.
Genome position (GRCh38, 1-based): chr7:21,854,322, A>C. VCF-style: chr7-21854322-A-C. GRCh37 (hg19) VCF-style: chr7-21893940-A-C.
Other names: c.11090A>C, p.Glu3697Ala (NM_003777.3); c.11069A>C (NM_001277115.1); short protein forms E3690A, E3697A.
Identifiers: ClinVar variation 2070693 (VCV002070693.5), dbSNP rs951421085, ClinGen allele CA155123555.